The following is an entry in ClinVar:

ClinVar aggregate classification (germline): Uncertain significance (1 of 4 stars; one submission).

Conditions:
Hereditary breast ovarian cancer syndrome. Also called: Hereditary breast and ovarian cancer syndrome (HBOC); Hereditary breast and ovarian cancer; Breast and ovarian cancer; Hereditary breast and/or ovarian cancer syndrome; BRCA1- and BRCA2-Associated Hereditary Breast and Ovarian Cancer; Hereditary breast and ovarian cancer syndrome. Identifiers: Orphanet 145, MedGen C0677776, MeSH D061325, MONDO:0003582. Disease mechanism: loss of function.

Submission:

Labcorp Genetics (formerly Invitae), Labcorp
Classification: Uncertain significance for Hereditary breast ovarian cancer syndrome. Last evaluated: 2025-05-13. Review status: criteria provided, single submitter. Criteria: Invitae Variant Classification Sherloc (09022015). Collection method: clinical testing. Allele origin: germline.
Comment: This sequence change replaces serine, which is neutral and polar, with proline, which is neutral and non-polar, at codon 489 of the BRCA2 protein (p.Ser489Pro). This variant is not present in population databases (gnomAD no frequency). This variant has not been reported in the literature in individuals affected with BRCA2-related conditions. Invitae Evidence Modeling of protein sequence and biophysical properties (such as structural, functional, and spatial information, amino acid conservation, physicochemical variation, residue mobility, and thermodynamic stability) indicates that this missense variant is not expected to disrupt BRCA2 protein function with a negative predictive value of 95%. In summary, the available evidence is currently insufficient to determine the role of this variant in disease. Therefore, it has been classified as a Variant of Uncertain Significance.

NM_000059.4(BRCA2):c.1465T>C (p.Ser489Pro)

Gene: BRCA2 (BRCA2 DNA repair associated; plus strand). Cytogenetic location: 13q13.1.
Variant type: single nucleotide variant.
Coding change: c.1465T>C on transcript NM_000059.4 (MANE Select); coding-DNA position 1465, T replaced by C.
Protein change: p.Ser489Pro; replaces serine 489 with proline.
Molecular consequence: missense variant. On other transcripts: non-coding transcript variant (1), intron variant (1).
Genome position (GRCh38, 1-based): chr13:32,332,943, T>C. VCF-style: chr13-32332943-T-C. GRCh37 (hg19) VCF-style: chr13-32907080-T-C.
Other names: c.1465T>C, p.Ser489Pro (NM_001406719.1, NM_001406720.1, NM_001406721.1 and 1 more transcripts); c.424+1913T>C (NM_001406722.1); short protein forms S489P.
Identifiers: ClinVar variation 4802277 (VCV004802277.1).
Genomic context (GRCh38, chr13:32,332,943, plus strand): 5'-GATGAAGAGCAGCATCTTGAATCTCATACAGACTGCATTCTTGCAGTAAAGCAGGCAATA[T>C]CTGGAACTTCTCCAGTGGCTTCTTCATTTCAGGGTATCAAAAAGTCTATATTCAGAATAA-3'
Protein context (NP_000050.3, residues 479-499): DCILAVKQAI[Ser489Pro]GTSPVASSFQ